The following is an entry in ClinVar:

NM_001142800.2(EYS):c.6536T>C (p.Ile2179Thr)

Gene: EYS (eyes shut homolog; minus strand). Cytogenetic location: 6q12.
Variant type: single nucleotide variant.
Coding change: c.6536T>C on transcript NM_001142800.2 (MANE Select); coding-DNA position 6536, T replaced by C.
Protein change: p.Ile2179Thr; replaces isoleucine 2179 with threonine.
Molecular consequence: missense variant.
Genome position (GRCh38, 1-based): chr6:64,081,891, A>G on the plus strand (T>C on the coding strand, the complement: EYS is on the minus strand). VCF-style: chr6-64081891-A-G. GRCh37 (hg19) VCF-style: chr6-64791784-A-G.
Other names: c.6536T>C, p.Ile2179Thr (NM_001292009.2); short protein forms I2179T.
Identifiers: ClinVar variation 1053950 (VCV001053950.6), dbSNP rs924836478, ClinGen allele CA140278471.

ClinVar aggregate classification (germline): Uncertain significance. Review status: criteria provided, single submitter (1 of 4 stars). 2 submissions from 2 submitters: Uncertain significance (1). 1 of the submissions does not count toward it. Last evaluated 2024-05-13.

Conditions:
Retinitis pigmentosa 25 (RP25). Identifiers: Orphanet 791, MedGen C1864446, MONDO:0011272, OMIM 602772.

Allele frequency attached by ClinVar (database versions not stated): gnomAD exomes 0.00004 and 0.00005; gnomAD 0.00005 and 0.00006; TOPMed 0.00005.
gnomAD v4.1: 75 of 1,542,212 alleles (0.0049%); highest among the groups gnomAD compares: Admixed American, 0.018%; no homozygotes.

Submissions (2):

Labcorp Genetics (formerly Invitae), Labcorp
Classification: Uncertain significance. Last evaluated: 2024-05-13. Review status: criteria provided, single submitter. Criteria: Invitae Variant Classification Sherloc (09022015). Collection method: clinical testing. Allele origin: germline.
Comment: This sequence change replaces isoleucine, which is neutral and non-polar, with threonine, which is neutral and polar, at codon 2179 of the EYS protein (p.Ile2179Thr). This variant is present in population databases (no rsID available, gnomAD 0.02%). This variant has not been reported in the literature in individuals affected with EYS-related conditions. ClinVar contains an entry for this variant (Variation ID: 1053950). Advanced modeling of protein sequence and biophysical properties (such as structural, functional, and spatial information, amino acid conservation, physicochemical variation, residue mobility, and thermodynamic stability) has been performed at Invitae for this missense variant, however the output from this modeling did not meet the statistical confidence thresholds required to predict the impact of this variant on EYS protein function. In summary, the available evidence is currently insufficient to determine the role of this variant in disease. Therefore, it has been classified as a Variant of Uncertain Significance.

Natera, Inc.
Classification: Uncertain significance for Retinitis pigmentosa type 25. Last evaluated: 2020-06-04. Review status: no assertion criteria provided. Collection method: clinical testing. Allele origin: germline. Not counted in ClinVar's aggregate classification.